The following is an entry in ClinVar:

NM_024700.4(SNIP1):c.712A>G (p.Thr238Ala)

Genes: SNIP1 (Smad nuclear interacting protein 1; minus strand), LOC126805704 (BRD4-independent group 4 enhancer GRCh37_chr1:38005292-38006491; plus strand). Cytogenetic location: 1p34.3.
Variant type: single nucleotide variant.
Coding change: c.712A>G on transcript NM_024700.4 (MANE Select); coding-DNA position 712, A replaced by G.
Protein change: p.Thr238Ala; replaces threonine 238 with alanine.
Molecular consequence: missense variant.
Genome position (GRCh38, 1-based): chr1:37,540,371, T>C on the plus strand (A>G on the coding strand, the complement: SNIP1 is on the minus strand). VCF-style: chr1-37540371-T-C. GRCh37 (hg19) VCF-style: chr1-38005972-T-C.
Other names: short protein forms T238A.
Identifiers: ClinVar variation 2783335 (VCV002783335.3), dbSNP rs1403785760, ClinGen allele CA339449943.

ClinVar aggregate classification (germline): Uncertain significance (1 of 4 stars; one submission).

Allele frequency attached by ClinVar (database versions not stated): gnomAD exomes below 0.00001; TOPMed 0.00001.
gnomAD v4.1: 4 of 1,614,070 alleles (0.00025%); highest among the groups gnomAD compares: Non-Finnish European, 0.00025%; no homozygotes.

Submission:

Labcorp Genetics (formerly Invitae), Labcorp
Classification: Uncertain significance. Last evaluated: 2023-10-10. Review status: criteria provided, single submitter. Criteria: Invitae Variant Classification Sherloc (09022015). Collection method: clinical testing. Allele origin: germline.
Comment: This sequence change replaces threonine, which is neutral and polar, with alanine, which is neutral and non-polar, at codon 238 of the SNIP1 protein (p.Thr238Ala). This variant is not present in population databases (gnomAD no frequency). This variant has not been reported in the literature in individuals affected with SNIP1-related conditions. Advanced modeling of protein sequence and biophysical properties (such as structural, functional, and spatial information, amino acid conservation, physicochemical variation, residue mobility, and thermodynamic stability) has been performed at Invitae for this missense variant, however the output from this modeling did not meet the statistical confidence thresholds required to predict the impact of this variant on SNIP1 protein function. In summary, the available evidence is currently insufficient to determine the role of this variant in disease. Therefore, it has been classified as a Variant of Uncertain Significance.